The following is an entry in ClinVar:

NM_000321.3(RB1):c.138-1G>A

Gene: RB1 (RB transcriptional corepressor 1; plus strand). Cytogenetic location: 13q14.2.
Variant type: single nucleotide variant.
Coding change: c.138-1G>A on transcript NM_000321.3 (MANE Select); the canonical splice acceptor site of the intron before coding-DNA position 138, G replaced by A.
Molecular consequence: splice acceptor variant.
Genome position (GRCh38, 1-based): chr13:48,307,279, G>A. VCF-style: chr13-48307279-G-A. GRCh37 (hg19) VCF-style: chr13-48881415-G-A.
Other names: c.138-1G>A (NM_001407165.1, NM_001407166.1, NM_001407167.1).
Identifiers: ClinVar variation 819064 (VCV000819064.9), dbSNP rs1593414337, ClinGen allele CA388250416.

ClinVar aggregate classification (germline): Pathogenic. Review status: criteria provided, multiple submitters, no conflicts (2 of 4 stars). 3 submissions from 3 submitters: Pathogenic (3). Last evaluated 2024-05-20.

Conditions:
Hereditary cancer-predisposing syndrome. Also called: Tumor predisposition; Hereditary neoplastic syndrome; Neoplastic Syndromes, Hereditary; Hereditary Cancer Syndrome. Identifiers: Orphanet 140162, MedGen C0027672, MeSH D009386, MONDO:0015356.
Retinoblastoma (RB1). Also called: RETINOBLASTOMA, SOMATIC. Identifiers: Orphanet 790, MedGen C0035335, MeSH D012175, MONDO:0008380, OMIM 180200, HP:0009919. Disease mechanism: loss of function. Inheritance: Both sporadic and heritable forms are tested..

Submissions (3):

Ambry Genetics
Classification: Pathogenic for Hereditary cancer-predisposing syndrome. Last evaluated: 2024-05-20. Review status: criteria provided, single submitter. Criteria: Ambry Variant Classification Scheme 2023. Collection method: clinical testing. Allele origin: germline.
Comment: The c.138-1G>A intronic pathogenic mutation results from a G to A substitution one nucleotide upstream from coding exon 2 of the RB1 gene. Alterations that disrupt the canonical splice site are expected to cause aberrant splicing, resulting in an abnormal protein or a transcript that is subject to nonsense-mediated mRNA decay. This variant has been reported in multiple individuals with a history of retinoblastoma, including at least one case in which this variant has been determined to be the result of a de novo mutation (Zou Y et al. Mol Vis. 2021 Jan;27:1-16; Ambry internal data). This nucleotide position is highly conserved in available vertebrate species. In silico splice site analysis predicts that this alteration will weaken the native splice acceptor site and will result in the creation or strengthening of a novel splice acceptor site. RNA studies have demonstrated that this alteration results in abnormal splicing in the set of samples tested (Ambry internal data). This variant is considered to be rare based on population cohorts in the Genome Aggregation Database (gnomAD). Based on the supporting evidence, this variant is interpreted as a disease-causing mutation.

Genetic Diagnostic Laboratory, University of Pennsylvania School of Medicine
Classification: Pathogenic for Retinoblastoma. Last evaluated: 2024-05-20. Review status: criteria provided, single submitter. Criteria: ACMG Guidelines, 2015. Collection method: clinical testing. Allele origin: germline. Affected: yes. Observed: 1 variant allele.
Comment: Case and Pedigree Information: BILATERAL CASES:1, UNILATERAL CASES:0, TOTAL CASES:1, PEDIGREES:1. ACMG Codes Applied:PVS1, PM2

Labcorp Genetics (formerly Invitae), Labcorp
Classification: Pathogenic for Retinoblastoma. Last evaluated: 2022-11-22. Review status: criteria provided, single submitter. Criteria: Invitae Variant Classification Sherloc (09022015). Collection method: clinical testing. Allele origin: germline.
Comment: For these reasons, this variant has been classified as Pathogenic. Algorithms developed to predict the effect of sequence changes on RNA splicing suggest that this variant may disrupt the consensus splice site. ClinVar contains an entry for this variant (Variation ID: 819064). This variant is also known as 276-1G>A. Disruption of this splice site has been observed in individual(s) with retinoblastoma (PMID: 12541220, 33456302). In at least one individual the variant was observed to be de novo. This variant is not present in population databases (gnomAD no frequency). This sequence change affects an acceptor splice site in intron 1 of the RB1 gene. It is expected to disrupt RNA splicing. Variants that disrupt the donor or acceptor splice site typically lead to a loss of protein function (PMID: 16199547), and loss-of-function variants in RB1 are known to be pathogenic (PMID: 17096365).

Literature cited by the submitters: PubMed 33456302 (cited by Ambry Genetics and Labcorp Genetics (formerly Invitae), Labcorp); PubMed 12541220 (cited by Labcorp Genetics (formerly Invitae), Labcorp); PubMed 16199547 (cited by Labcorp Genetics (formerly Invitae), Labcorp); PubMed 17096365 (cited by Labcorp Genetics (formerly Invitae), Labcorp).